The following is an entry in ClinVar:

ClinVar aggregate classification (germline): Uncertain significance (1 of 4 stars; one submission).

Submission:

Labcorp Genetics (formerly Invitae), Labcorp
Classification: Uncertain significance. Last evaluated: 2023-04-06. Review status: criteria provided, single submitter. Criteria: Invitae Variant Classification Sherloc (09022015). Collection method: clinical testing. Allele origin: germline.
Comment: This sequence change replaces alanine, which is neutral and non-polar, with valine, which is neutral and non-polar, at codon 578 of the RELB protein (p.Ala578Val). This variant is not present in population databases (gnomAD no frequency). This variant has not been reported in the literature in individuals affected with RELB-related conditions. An algorithm developed to predict the effect of missense changes on protein structure and function (PolyPhen-2) suggests that this variant is likely to be disruptive. In summary, the available evidence is currently insufficient to determine the role of this variant in disease. Therefore, it has been classified as a Variant of Uncertain Significance.

NM_006509.4(RELB):c.1733C>T (p.Ala578Val)

Gene: RELB (RELB proto-oncogene, NF-kB subunit; plus strand). Cytogenetic location: 19q13.32.
Variant type: single nucleotide variant.
Coding change: c.1733C>T on transcript NM_006509.4 (MANE Select); coding-DNA position 1733, C replaced by T.
Protein change: p.Ala578Val; replaces alanine 578 with valine.
Molecular consequence: missense variant.
Genome position (GRCh38, 1-based): chr19:45,037,783, C>T. VCF-style: chr19-45037783-C-T. GRCh37 (hg19) VCF-style: chr19-45541041-C-T.
Other names: c.1724C>T, p.Ala575Val (NM_001411087.1); short protein forms A575V, A578V.
Identifiers: ClinVar variation 3012492 (VCV003012492.3), dbSNP rs1431342041, ClinGen allele CA406310602.